The following is an entry in ClinVar:

ClinVar aggregate classification (germline): Uncertain significance (1 of 4 stars; one submission).

Submission:

CeGaT Center for Human Genetics Tuebingen
Classification: Uncertain significance. Last evaluated: 2023-10-01. Review status: criteria provided, single submitter. Criteria: CeGaT Center For Human Genetics Tuebingen Variant Classification Criteria Version 2. Collection method: clinical testing. Allele origin: germline. Affected: yes. Observed: 1 variant allele.
Comment: KDM6B: PM2

NM_001348716.2(KDM6B):c.1684A>C (p.Ser562Arg)

Gene: KDM6B (lysine demethylase 6B; plus strand). Cytogenetic location: 17p13.1.
Variant type: single nucleotide variant.
Coding change: c.1684A>C on transcript NM_001348716.2 (MANE Select); coding-DNA position 1684, A replaced by C.
Protein change: p.Ser562Arg; replaces serine 562 with arginine.
Molecular consequence: missense variant.
Genome position (GRCh38, 1-based): chr17:7,847,972, A>C. VCF-style: chr17-7847972-A-C. GRCh37 (hg19) VCF-style: chr17-7751290-A-C.
Other names: c.1684A>C, p.Ser562Arg (NM_001080424.2); short protein forms S562R.
Identifiers: ClinVar variation 2672680 (VCV002672680.23), dbSNP rs916454667, ClinGen allele CA397917211.